The following is an entry in ClinVar:

ClinVar aggregate classification (germline): Pathogenic (1 of 4 stars; one submission).

Conditions:
Neurofibromatosis, type 1 (NF1). Also called: VON RECKLINGHAUSEN DISEASE; Peripheral type neurofibromatosis; NEUROFIBROMATOSIS, TYPE I, SOMATIC; Neurofibromatosis, type I. Identifiers: Orphanet 636, MedGen C0027831, MONDO:0018975, OMIM 162200. Disease mechanism: loss of function.

Submission:

Labcorp Genetics (formerly Invitae), Labcorp
Classification: Pathogenic for Neurofibromatosis, type 1. Last evaluated: 2025-09-03. Review status: criteria provided, single submitter. Criteria: Invitae Variant Classification Sherloc (09022015). Collection method: clinical testing. Allele origin: germline.
Comment: This sequence change creates a premature translational stop signal (p.Gln28Argfs*16) in the NF1 gene. It is expected to result in an absent or disrupted protein product. Loss-of-function variants in NF1 are known to be pathogenic (PMID: 10712197, 23913538). This variant is not present in population databases (gnomAD no frequency). This variant has not been reported in the literature in individuals affected with NF1-related conditions. For these reasons, this variant has been classified as Pathogenic.

Literature cited by the submitters: PubMed 10712197; PubMed 23913538.

NM_001042492.3(NF1):c.83del (p.Gln28fs)

Gene: NF1 (neurofibromin 1; plus strand). Cytogenetic location: 17q11.2.
Variant type: Deletion.
Coding change: c.83del on transcript NM_001042492.3 (MANE Select); coding-DNA position 83, one base deleted (A; older notation c.83delA).
Protein change: p.Gln28fs; shifts the reading frame from glutamine 28.
Molecular consequence: frameshift variant.
Genome position (GRCh38, 1-based): chr17:31,156,005, A deleted. VCF-style (leftmost placement, unchanged base first): chr17-31156004-CA-C. GRCh37 (hg19) VCF-style: chr17-29483022-CA-C.
Other names: c.83del, p.Gln28fs (NM_000267.4, NM_001128147.3); short protein forms Q28fs.
Identifiers: ClinVar variation 4713014 (VCV004713014.1).